The following is an entry in ClinVar:

NM_000038.6(APC):c.6271G>C (p.Gly2091Arg)

Gene: APC (APC regulator of Wnt signaling pathway; plus strand). Cytogenetic location: 5q22.2.
Variant type: single nucleotide variant.
Coding change: c.6271G>C on transcript NM_000038.6 (MANE Select); coding-DNA position 6271, G replaced by C.
Protein change: p.Gly2091Arg; replaces glycine 2091 with arginine.
Molecular consequence: missense variant.
Genome position (GRCh38, 1-based): chr5:112,841,865, G>C. VCF-style: chr5-112841865-G-C. GRCh37 (hg19) VCF-style: chr5-112177562-G-C.
Other names: c.6271G>C, p.Gly2091Arg (NM_001127510.3, NM_001354895.2); c.6217G>C, p.Gly2073Arg (NM_001127511.3); c.6325G>C, p.Gly2109Arg (NM_001354896.2); c.6301G>C, p.Gly2101Arg (NM_001354897.2); c.6196G>C, p.Gly2066Arg (NM_001354898.2); c.6187G>C, p.Gly2063Arg (NM_001354899.2); c.6148G>C, p.Gly2050Arg (NM_001354900.2); c.6094G>C, p.Gly2032Arg (NM_001354901.2); and 5 more; short protein forms G1808R, G1931R, G1965R, G1990R, G2000R, G2032R, G2050R, G2063R.
Identifiers: ClinVar variation 1060686 (VCV001060686.15), dbSNP rs745308565, ClinGen allele CA044263.

ClinVar aggregate classification (germline): Uncertain significance. Review status: criteria provided, multiple submitters, no conflicts (2 of 4 stars). 5 submissions from 5 submitters: Uncertain significance (5). Last evaluated 2025-10-25.

Conditions:
Classic or attenuated familial adenomatous polyposis. Identifiers: MedGen CN372698, MONDO:0021057.
Hereditary cancer-predisposing syndrome. Also called: Neoplastic Syndromes, Hereditary; Hereditary Cancer Syndrome; Hereditary neoplastic syndrome; Tumor predisposition. Identifiers: Orphanet 140162, MedGen C0027672, MeSH D009386, MONDO:0015356.
Familial adenomatous polyposis 1 (FAP1). Also called: FAMILIAL ADENOMATOUS POLYPOSIS 1, ATTENUATED; POLYPOSIS, ADENOMATOUS INTESTINAL. Identifiers: MedGen C2713442, MONDO:0021056, OMIM 175100. Disease mechanism: loss of function.

Allele frequency attached by ClinVar (database versions not stated): gnomAD exomes below 0.00001 and 0.00001; gnomAD 0.00001; ExAC 0.00002.
gnomAD v4.1: 6 of 1,613,764 alleles (0.00037%); highest among the groups gnomAD compares: Non-Finnish European, 0.00042%; no homozygotes.

Submissions (5):

Ambry Genetics
Classification: Uncertain significance for Hereditary cancer-predisposing syndrome. Last evaluated: 2025-10-25. Review status: criteria provided, single submitter. Criteria: Ambry Variant Classification Scheme 2023. Collection method: clinical testing. Allele origin: germline.
Comment: The p.G2091R variant (also known as c.6271G>C), located in coding exon 15 of the APC gene, results from a G to C substitution at nucleotide position 6271. The glycine at codon 2091 is replaced by arginine, an amino acid with dissimilar properties. This amino acid position is not well conserved in available vertebrate species. In addition, in silico predictors for this gene do not accurately predict pathogenicity. Since supporting evidence is limited at this time, the clinical significance of this alteration remains unclear.

Color Diagnostics, LLC DBA Color Health
Classification: Uncertain significance for Hereditary cancer-predisposing syndrome. Last evaluated: 2025-08-12. Review status: criteria provided, single submitter. Criteria: ACMG Guidelines, 2015. Collection method: clinical testing. Allele origin: germline.
Comment: This missense variant replaces glycine with arginine at codon 2091 of the APC protein. Computational prediction suggests that this variant may not impact protein structure and function. To our knowledge, functional studies have not been reported for this variant. This variant has not been reported in individuals affected with APC-related disorders in the literature. This variant has been identified in 2/250654 chromosomes in the general population by the Genome Aggregation Database (gnomAD). The available evidence is insufficient to determine the role of this variant in disease conclusively. Therefore, this variant is classified as a Variant of Uncertain Significance.

Labcorp Genetics (formerly Invitae), Labcorp
Classification: Uncertain significance for Familial adenomatous polyposis 1. Last evaluated: 2025-06-27. Review status: criteria provided, single submitter. Criteria: Invitae Variant Classification Sherloc (09022015). Collection method: clinical testing. Allele origin: germline.
Comment: This sequence change replaces glycine, which is neutral and non-polar, with arginine, which is basic and polar, at codon 2091 of the APC protein (p.Gly2091Arg). This variant is present in population databases (rs745308565, gnomAD 0.002%). This variant has not been reported in the literature in individuals affected with APC-related conditions. ClinVar contains an entry for this variant (Variation ID: 1060686). Invitae Evidence Modeling of protein sequence and biophysical properties (such as structural, functional, and spatial information, amino acid conservation, physicochemical variation, residue mobility, and thermodynamic stability) indicates that this missense variant is not expected to disrupt APC protein function with a negative predictive value of 95%. In summary, the available evidence is currently insufficient to determine the role of this variant in disease. Therefore, it has been classified as a Variant of Uncertain Significance.

Women's Health and Genetics/Laboratory Corporation of America, LabCorp
Classification: Uncertain significance. Last evaluated: 2025-05-06. Review status: criteria provided, single submitter. Criteria: LabCorp Variant Classification Summary - May 2015. Collection method: clinical testing. Allele origin: germline.
Comment: Variant summary: APC c.6271G>C (p.Gly2091Arg) results in a non-conservative amino acid change in the encoded protein sequence. Algorithms developed to predict the effect of missense changes on protein structure and function are either unavailable or do not agree on the potential impact of this missense change. The variant allele was found at a frequency of 8e-06 in 250654 control chromosomes. The available data on variant occurrences in the general population are insufficient to allow any conclusion about variant significance. To our knowledge, no occurrence of c.6271G>C in individuals affected with Familial Adenomatous Polyposis and no experimental evidence demonstrating its impact on protein function have been reported. ClinVar contains an entry for this variant (Variation ID: 1060686). Based on the evidence outlined above, the variant was classified as uncertain significance.

All of Us Research Program, National Institutes of Health
Classification: Uncertain significance for Classic or attenuated familial adenomatous polyposis. Last evaluated: 2023-03-09. Review status: criteria provided, single submitter. Criteria: ACMG Guidelines, 2015. Collection method: clinical testing. Allele origin: germline. Inheritance: Autosomal dominant inheritance. Observed: 1 variant allele, 1 heterozygote.
Comment: This missense variant replaces glycine with arginine at codon 2091 of the APC protein. Computational prediction suggests that this variant may not impact protein structure and function (internally defined REVEL score threshold <= 0.5, PMID: 27666373). To our knowledge, functional studies have not been reported for this variant. This variant has not been reported in individuals affected with APC-related disorders in the literature. This variant has been identified in 2/250654 chromosomes in the general population by the Genome Aggregation Database (gnomAD). The available evidence is insufficient to determine the role of this variant in disease conclusively. Therefore, this variant is classified as a Variant of Uncertain Significance.

This study involves interpretation of variants in research participants for the purpose of population health screening. Participant phenotype was not available at the time of variant classification. Additional details can be found in publication PMID: 35346344, PMCID: PMC8962531